The following is an entry in ClinVar:

NM_005560.6(LAMA5):c.6207G>A (p.Pro2069=)

Gene: LAMA5 (laminin subunit alpha 5; minus strand). Cytogenetic location: 20q13.33.
Variant type: single nucleotide variant.
Coding change: c.6207G>A on transcript NM_005560.6 (MANE Select); coding-DNA position 6207, G replaced by A.
Protein change: p.Pro2069=; no amino-acid change (proline 2069 retained).
Molecular consequence: synonymous variant.
Genome position (GRCh38, 1-based): chr20:62,322,408, C>T on the plus strand (G>A on the coding strand, the complement: LAMA5 is on the minus strand). VCF-style: chr20-62322408-C-T. GRCh37 (hg19) VCF-style: chr20-60897464-C-T.
Other names: c.6207G>A (NM_005560.4).
Identifiers: ClinVar variation 2045059 (VCV002045059.6), dbSNP rs374550353, ClinGen allele CA9941846.

ClinVar aggregate classification (germline): Benign. Review status: criteria provided, single submitter (1 of 4 stars). 2 submissions from 2 submitters: Benign (1). 1 of the submissions does not count toward it. Last evaluated 2025-06-12.

Conditions:
LAMA5-related disorder. Also called: LAMA5-Related Disorders; LAMA5-related condition.

Allele frequency attached by ClinVar (database versions not stated): 1000 Genomes Project 0.00020; ExAC 0.00026; ESP Exome Variant Server 0.00047; 1000 Genomes Project 30x 0.00016.
gnomAD v4.1: 418 of 1,592,998 alleles (0.026%); highest among the groups gnomAD compares: Non-Finnish European, 0.026%; no homozygotes.

Submissions (2):

Labcorp Genetics (formerly Invitae), Labcorp
Classification: Benign. Last evaluated: 2025-06-12. Review status: criteria provided, single submitter. Criteria: Invitae Variant Classification Sherloc (09022015). Collection method: clinical testing. Allele origin: germline.

PreventionGenetics, part of Exact Sciences
Classification: Likely benign for LAMA5-related condition. Last evaluated: 2019-06-12. Review status: no assertion criteria provided. Collection method: clinical testing. Allele origin: germline. Not counted in ClinVar's aggregate classification.
Comment: This variant is classified as likely benign based on ACMG/AMP sequence variant interpretation guidelines (Richards et al. 2015 PMID: 25741868, with internal and published modifications).